The following is an entry in ClinVar:

ClinVar aggregate classification (germline): Benign. Review status: criteria provided, multiple submitters, no conflicts (2 of 4 stars). 5 submissions from 5 submitters: Benign (5). Last evaluated 2026-02-03.

Conditions:
Coxopodopatellar syndrome. Also called: ISCHIOCOXOPODOPATELLAR SYNDROME WITH OR WITHOUT PULMONARY ARTERIAL HYPERTENSION; Congenital coxa vara, patella aplasia and tarsal synostosis; ISCHIOPATELLAR DYSPLASIA; SCOTT-TAOR SYNDROME; ISCHIOCOXOPODOPATELLAR SYNDROME; PATELLA APLASIA, COXA VARA, AND TARSAL SYNOSTOSIS. Identifiers: Orphanet 1509, MedGen C1840061, MONDO:0007841, OMIM 147891.

Allele frequency attached by ClinVar (database versions not stated): gnomAD 0.10421 and 0.10322; TOPMed 0.10577; ESP Exome Variant Server 0.10649; 1000 Genomes Project 30x 0.10868; 1000 Genomes Project 0.11562; gnomAD exomes 0.09930 and 0.10136; ExAC 0.10193.
gnomAD v4.1: 161,708 of 1,613,924 alleles (10%); highest among the groups gnomAD compares: South Asian, 12%; 8,513 homozygotes.

Submissions (5):

Labcorp Genetics (formerly Invitae), Labcorp
Classification: Benign. Last evaluated: 2026-02-03. Review status: criteria provided, single submitter. Criteria: Invitae Variant Classification Sherloc (09022015). Collection method: clinical testing. Allele origin: germline.

Blueprint Genetics
Classification: Benign. Last evaluated: 2024-11-28. Review status: criteria provided, single submitter. Criteria: ACMG Guidelines, 2015. Collection method: clinical testing. Allele origin: germline.

GeneDx
Classification: Benign. Last evaluated: 2021-05-05. Review status: criteria provided, single submitter. Criteria: GeneDx Variant Classification Process June 2021. Collection method: clinical testing. Allele origin: germline. Affected: yes.

Illumina Laboratory Services, Illumina
Classification: Benign for Coxopodopatellar syndrome. Last evaluated: 2018-01-12. Review status: criteria provided, single submitter. Criteria: ICSL Variant Classification Criteria 13 December 2019. Collection method: clinical testing. Allele origin: germline.
Comment: This variant was observed in the ICSL laboratory as part of a predisposition screen in an ostensibly healthy population. It had not been previously curated by ICSL or reported in the Human Gene Mutation Database (HGMD: prior to June 1st, 2018), and was therefore a candidate for classification through an automated scoring system. Utilizing variant allele frequency, disease prevalence and penetrance estimates, and inheritance mode, an automated score was calculated to assess if this variant is too frequent to cause the disease. Based on the score and internal cut-off values, a variant classified as benign is not then subjected to further curation. The score for this variant resulted in a classification of benign for this disease.

Breakthrough Genomics
Classification: Benign. Review status: criteria provided, single submitter. Criteria: ACMG Guidelines, 2015. Collection method: not provided. Allele origin: germline. Inheritance: Autosomal recessive inheritance. Affected: yes.

NM_001321120.2(TBX4):c.1227C>T (p.Asp409=)

Gene: TBX4 (T-box transcription factor 4; plus strand). Cytogenetic location: 17q23.2.
Variant type: single nucleotide variant.
Coding change: c.1227C>T on transcript NM_001321120.2 (MANE Select); coding-DNA position 1227, C replaced by T.
Protein change: p.Asp409=; no amino-acid change (aspartic acid 409 retained).
Molecular consequence: synonymous variant.
Genome position (GRCh38, 1-based): chr17:61,483,102, C>T. VCF-style: chr17-61483102-C-T. GRCh37 (hg19) VCF-style: chr17-59560463-C-T.
Other names: c.1227C>T, p.Asp409= (LRG_1206t1); c.1224C>T, p.Asp408= (NM_018488.3).
Identifiers: ClinVar variation 324262 (VCV000324262.15), dbSNP rs7218485, ClinGen allele CA8690049.